The following is an entry in ClinVar:

NM_001035.3(RYR2):c.127G>A (p.Gly43Ser)

Gene: RYR2 (ryanodine receptor 2; plus strand). Cytogenetic location: 1q43.
Variant type: single nucleotide variant.
Coding change: c.127G>A on transcript NM_001035.3 (MANE Select); coding-DNA position 127, G replaced by A.
Protein change: p.Gly43Ser; replaces glycine 43 with serine.
Molecular consequence: missense variant.
Genome position (GRCh38, 1-based): chr1:237,270,575, G>A. VCF-style: chr1-237270575-G-A. GRCh37 (hg19) VCF-style: chr1-237433875-G-A.
Other names: short protein forms G43S.
Identifiers: ClinVar variation 4076679 (VCV004076679.1).
Genomic context (GRCh38, chr1:237,270,575, plus strand): 5'-CAGTGCACCGCAACCATCCACAAAGAACAACAGAAGCTATGCTTGGCAGCAGAAGGATTT[G>A]GCAACAGACTTTGTTTCTTGGAGTCCACTTCCAATTCCAAGGTGGGATGAAGTCTTTCAA-3'
Protein context (NP_001026.2, residues 33-53): QKLCLAAEGF[Gly43Ser]NRLCFLESTS

ClinVar aggregate classification (germline): Uncertain significance (1 of 4 stars; one submission).

Submission:

GeneDx
Classification: Uncertain significance. Last evaluated: 2025-02-13. Review status: criteria provided, single submitter. Criteria: GeneDx Variant Classification Process June 2021. Collection method: clinical testing. Allele origin: germline. Affected: yes.
Comment: Not observed at significant frequency in large population cohorts (gnomAD); In silico analysis supports that this missense variant has a deleterious effect on protein structure/function; Has not been previously published as pathogenic or benign to our knowledge; Not located in one of the three hot-spot regions of the RYR2 gene, where the majority of pathogenic missense variants occur (PMID: 19926015); This variant is associated with the following publications: (PMID: 19926015)